The following is an entry in ClinVar:

ClinVar aggregate classification (germline): Uncertain significance. Review status: criteria provided, multiple submitters, no conflicts (2 of 4 stars). 3 submissions from 3 submitters: Uncertain significance (3). Last evaluated 2025-12-12.

Conditions:
Neutropenia, severe congenital, 2, autosomal dominant. Identifiers: Orphanet 486, MedGen C2751288, MONDO:0013139, OMIM 613107.

Allele frequency attached by ClinVar (database versions not stated): gnomAD exomes 0.00001.
gnomAD v4.1: 9 of 1,550,362 alleles (0.00058%); highest among the groups gnomAD compares: Non-Finnish European, 0.00026%; no homozygotes.

Submissions (3):

Mayo Clinic Laboratories, Mayo Clinic
Classification: Uncertain significance. Last evaluated: 2025-12-12. Review status: criteria provided, single submitter. Criteria: ACMG Guidelines, 2015. Collection method: clinical testing. Allele origin: germline. Observed: 1 variant allele.
Comment: PM2_supporting

Labcorp Genetics (formerly Invitae), Labcorp
Classification: Uncertain significance for Neutropenia, severe congenital, 2, autosomal dominant. Last evaluated: 2025-08-21. Review status: criteria provided, single submitter. Criteria: Invitae Variant Classification Sherloc (09022015). Collection method: clinical testing. Allele origin: germline.
Comment: This sequence change replaces glycine, which is neutral and non-polar, with arginine, which is basic and polar, at codon 290 of the GFI1 protein (p.Gly290Arg). This variant is present in population databases (no rsID available, gnomAD 0.002%). This variant has not been reported in the literature in individuals affected with GFI1-related conditions. ClinVar contains an entry for this variant (Variation ID: 1497955). Invitae Evidence Modeling of protein sequence and biophysical properties (such as structural, functional, and spatial information, amino acid conservation, physicochemical variation, residue mobility, and thermodynamic stability) indicates that this missense variant is not expected to disrupt GFI1 protein function with a negative predictive value of 80%. In summary, the available evidence is currently insufficient to determine the role of this variant in disease. Therefore, it has been classified as a Variant of Uncertain Significance.

Ambry Genetics
Classification: Uncertain significance. Last evaluated: 2025-03-22. Review status: criteria provided, single submitter. Criteria: Ambry Variant Classification Scheme 2023. Collection method: clinical testing. Allele origin: germline.
Comment: The p.G290R variant (also known as c.868G>C), located in coding exon 4 of the GFI1 gene, results from a G to C substitution at nucleotide position 868. The glycine at codon 290 is replaced by arginine, an amino acid with dissimilar properties. This amino acid position is conserved. In addition, the in silico prediction for this alteration is inconclusive. Based on the available evidence, the clinical significance of this variant remains unclear.

NM_005263.5(GFI1):c.868G>C (p.Gly290Arg)

Gene: GFI1 (growth factor independent 1 transcriptional repressor; minus strand). Cytogenetic location: 1p22.1.
Variant type: single nucleotide variant.
Coding change: c.868G>C on transcript NM_005263.5 (MANE Select); coding-DNA position 868, G replaced by C.
Protein change: p.Gly290Arg; replaces glycine 290 with arginine.
Molecular consequence: missense variant.
Genome position (GRCh38, 1-based): chr1:92,480,404, C>G on the plus strand (G>C on the coding strand, the complement: GFI1 is on the minus strand). VCF-style: chr1-92480404-C-G. GRCh37 (hg19) VCF-style: chr1-92945961-C-G.
Other names: p.Gly290Arg; c.868G>C, p.Gly290Arg (NM_001127215.3, NM_001127216.3); c.868G>C (NM_005263.3); short protein forms G290R.
Identifiers: ClinVar variation 1497955 (VCV001497955.9), dbSNP rs1391091980, ClinGen allele CA341148535.